The following is an entry in ClinVar:

NM_000368.5(TSC1):c.1372G>C (p.Asp458His)

Gene: TSC1 (TSC complex subunit 1; minus strand). Cytogenetic location: 9q34.13.
Variant type: single nucleotide variant.
Coding change: c.1372G>C on transcript NM_000368.5 (MANE Select); coding-DNA position 1372, G replaced by C.
Protein change: p.Asp458His; replaces aspartic acid 458 with histidine.
Molecular consequence: missense variant.
Genome position (GRCh38, 1-based): chr9:132,906,797, C>G on the plus strand (G>C on the coding strand, the complement: TSC1 is on the minus strand). VCF-style: chr9-132906797-C-G. GRCh37 (hg19) VCF-style: chr9-135782184-C-G.
Other names: c.1372G>C (NM_000368.4); c.1369G>C, p.Asp457His (NM_001162426.2); c.1219G>C, p.Asp407His (NM_001162427.2); c.1009G>C, p.Asp337His (NM_001362177.2); short protein forms D337H, D457H, D407H, D458H.
Identifiers: ClinVar variation 1355261 (VCV001355261.9), dbSNP rs2131866030, ClinGen allele CA375365985.

ClinVar aggregate classification (germline): Uncertain significance. Review status: criteria provided, multiple submitters, no conflicts (2 of 4 stars). 2 submissions from 2 submitters: Uncertain significance (2). Last evaluated 2023-05-08.

Conditions:
Tuberous sclerosis 1 (TSC1). Identifiers: Orphanet 805, MedGen C1854465, MONDO:0008612, OMIM 191100.
Hereditary cancer-predisposing syndrome. Also called: Hereditary Cancer Syndrome; Hereditary neoplastic syndrome; Tumor predisposition; Neoplastic Syndromes, Hereditary. Identifiers: Orphanet 140162, MedGen C0027672, MeSH D009386, MONDO:0015356.

Submissions (2):

Ambry Genetics
Classification: Uncertain significance for Hereditary cancer-predisposing syndrome. Last evaluated: 2023-05-08. Review status: criteria provided, single submitter. Criteria: Ambry Variant Classification Scheme 2023. Collection method: clinical testing. Allele origin: germline.
Comment: The p.D458H variant (also known as c.1372G>C), located in coding exon 12 of the TSC1 gene, results from a G to C substitution at nucleotide position 1372. The aspartic acid at codon 458 is replaced by histidine, an amino acid with similar properties. This amino acid position is conserved. In addition, the in silico prediction for this alteration is inconclusive. Since supporting evidence is limited at this time, the clinical significance of this alteration remains unclear.

Labcorp Genetics (formerly Invitae), Labcorp
Classification: Uncertain significance for Tuberous sclerosis 1. Last evaluated: 2022-11-03. Review status: criteria provided, single submitter. Criteria: Invitae Variant Classification Sherloc (09022015). Collection method: clinical testing. Allele origin: germline.
Comment: This sequence change replaces aspartic acid, which is acidic and polar, with histidine, which is basic and polar, at codon 458 of the TSC1 protein (p.Asp458His). This variant is not present in population databases (gnomAD no frequency). This variant has not been reported in the literature in individuals affected with TSC1-related conditions. ClinVar contains an entry for this variant (Variation ID: 1355261). Advanced modeling of protein sequence and biophysical properties (such as structural, functional, and spatial information, amino acid conservation, physicochemical variation, residue mobility, and thermodynamic stability) performed at Invitae indicates that this missense variant is not expected to disrupt TSC1 protein function. In summary, the available evidence is currently insufficient to determine the role of this variant in disease. Therefore, it has been classified as a Variant of Uncertain Significance.